The following is an entry in ClinVar:

ClinVar aggregate classification (germline): Uncertain significance. Review status: criteria provided, multiple submitters, no conflicts (2 of 4 stars). 2 submissions from 2 submitters: Uncertain significance (2). Last evaluated 2025-05-02.

Conditions:
Hereditary cancer-predisposing syndrome. Also called: Neoplastic Syndromes, Hereditary; Tumor predisposition; Hereditary Cancer Syndrome; Hereditary neoplastic syndrome. Identifiers: Orphanet 140162, MedGen C0027672, MeSH D009386, MONDO:0015356.

Allele frequency attached by ClinVar (database versions not stated): gnomAD exomes below 0.00001.

Submissions (2):

Ambry Genetics
Classification: Uncertain significance for Hereditary cancer-predisposing syndrome. Last evaluated: 2025-05-02. Review status: criteria provided, single submitter. Criteria: Ambry Variant Classification Scheme 2023. Collection method: clinical testing. Allele origin: germline.
Comment: The p.M140V variant (also known as c.418A>G), located in coding exon 4 of the RAD50 gene, results from an A to G substitution at nucleotide position 418. The methionine at codon 140 is replaced by valine, an amino acid with highly similar properties. This amino acid position is conserved. In addition, the in silico prediction for this alteration is inconclusive. Since supporting evidence is limited at this time, the clinical significance of this alteration remains unclear.

Labcorp Genetics (formerly Invitae), Labcorp
Classification: Uncertain significance for Hereditary cancer-predisposing syndrome. Last evaluated: 2021-05-07. Review status: criteria provided, single submitter. Criteria: Invitae Variant Classification Sherloc (09022015). Collection method: clinical testing. Allele origin: germline.
Comment: In summary, this variant is a novel missense change with uncertain impact on protein function. It has been classified as a Variant of Uncertain Significance. Algorithms developed to predict the effect of missense changes on protein structure and function do not agree on the potential impact of this missense change (SIFT: "Tolerated"; PolyPhen-2: "Possibly Damaging"; Align-GVGD: "Class C0"). This variant is not present in population databases (ExAC no frequency) and has not been reported in the literature in individuals with a RAD50-related disease. This sequence change replaces methionine with valine at codon 140 of the RAD50 protein (p.Met140Val). The methionine residue is moderately conserved and there is a small physicochemical difference between methionine and valine.

NM_005732.4(RAD50):c.418A>G (p.Met140Val)

Gene: RAD50 (RAD50 double strand break repair protein; plus strand). Cytogenetic location: 5q31.1.
Variant type: single nucleotide variant.
Coding change: c.418A>G on transcript NM_005732.4 (MANE Select); coding-DNA position 418, A replaced by G.
Protein change: p.Met140Val; replaces methionine 140 with valine.
Molecular consequence: missense variant.
Genome position (GRCh38, 1-based): chr5:132,579,369, A>G. VCF-style: chr5-132579369-A-G. GRCh37 (hg19) VCF-style: chr5-131915061-A-G.
Other names: short protein forms M140V.
Identifiers: ClinVar variation 457474 (VCV000457474.14), dbSNP rs1554097769, ClinGen allele CA360933766.
Genomic context (GRCh38, chr5:132,579,369, plus strand): 5'-TTCTGTAGGCATGGTGAAAAGGTCAGTCTGAGCTCTAAGTGTGCAGAAATTGACCGAGAA[A>G]TGATCAGTTCTCTTGGGGTTTCCAAGGCTGTGCTAAATAATGTCATTTTCTGTCATCAAG-3'
Protein context (NP_005723.2, residues 130-150): SSKCAEIDRE[Met140Val]ISSLGVSKAV